The following is an entry in ClinVar:

NM_001038603.3(MARVELD2):c.1100G>T (p.Arg367Met)

Gene: MARVELD2 (MARVEL domain containing 2; plus strand). Cytogenetic location: 5q13.2.
Variant type: single nucleotide variant.
Coding change: c.1100G>T on transcript NM_001038603.3 (MANE Select); coding-DNA position 1100, G replaced by T.
Protein change: p.Arg367Met; replaces arginine 367 with methionine.
Molecular consequence: missense variant.
Genome position (GRCh38, 1-based): chr5:69,420,485, G>T. VCF-style: chr5-69420485-G-T. GRCh37 (hg19) VCF-style: chr5-68716312-G-T.
Other names: c.1100G>T, p.Arg367Met (NM_001244734.2); short protein forms R367M.
Identifiers: ClinVar variation 354090 (VCV000354090.7), dbSNP rs139908851, ClinGen allele CA3294166.
Genomic context (GRCh38, chr5:69,420,485, plus strand): 5'-TCCTGTTTGTCACCATGATAGTTTATCTCATTAGTGCTTTGGTTTGCCTAAAGTTATGGA[G>T]GCATGAGGCAGCTCGGAGACATAGAGAATATATGGAACAACAGGAGGTAAGTGATTTCAT-3'
Protein context (NP_001033692.2, residues 357-377): ISALVCLKLW[Arg367Met]HEAARRHREY

ClinVar aggregate classification (germline): Uncertain significance. Review status: criteria provided, multiple submitters, no conflicts (2 of 4 stars). 2 submissions from 2 submitters: Uncertain significance (2). Last evaluated 2025-07-18.

Conditions:
Autosomal recessive nonsyndromic hearing loss 49. Also called: Deafness, neurosensory, autosomal recessive 49. Identifiers: Orphanet 90636, MedGen C1857811, MONDO:0012420, OMIM 610153.

Allele frequency attached by ClinVar (database versions not stated): gnomAD exomes 0.00002 and 0.00006; ExAC 0.00007; gnomAD 0.00011 and 0.00012; TOPMed 0.00014; 1000 Genomes Project 30x 0.00016; 1000 Genomes Project 0.00020; ESP Exome Variant Server 0.00031.
gnomAD v4.1: 44 of 1,613,314 alleles (0.0027%); highest among the groups gnomAD compares: African/African-American, 0.057%; no homozygotes.

Submissions (2):

GeneDx
Classification: Uncertain significance. Last evaluated: 2025-07-18. Review status: criteria provided, single submitter. Criteria: GeneDx Variant Classification Process June 2021. Collection method: clinical testing. Allele origin: germline. Affected: yes.
Comment: In silico analysis supports that this missense variant has a deleterious effect on protein structure/function; Has not been previously published as pathogenic or benign to our knowledge

Illumina Laboratory Services, Illumina
Classification: Uncertain significance for Autosomal recessive nonsyndromic hearing loss 49. Last evaluated: 2018-01-12. Review status: criteria provided, single submitter. Criteria: ICSL Variant Classification Criteria 13 December 2019. Collection method: clinical testing. Allele origin: germline.